The following is an entry in ClinVar:

NM_006384.4(CIB1):c.87-35G>A

Gene: CIB1 (calcium and integrin binding 1; minus strand). Cytogenetic location: 15q26.1.
Variant type: single nucleotide variant.
Coding change: c.87-35G>A on transcript NM_006384.4 (MANE Select); 35 bases into the intron before coding-DNA position 87, G replaced by A.
Molecular consequence: intron variant. On other transcripts: missense variant (1).
Genome position (GRCh38, 1-based): chr15:90,232,362, C>T on the plus strand (G>A on the coding strand, the complement: CIB1 is on the minus strand). VCF-style: chr15-90232362-C-T. GRCh37 (hg19) VCF-style: chr15-90775594-C-T.
Other names: c.172G>A, p.Ala58Thr (NM_001277764.2); short protein forms A58T.
Identifiers: ClinVar variation 1446666 (VCV001446666.7), dbSNP rs759890736, ClinGen allele CA393816216.

ClinVar aggregate classification (germline): Uncertain significance (1 of 4 stars; one submission).

gnomAD v4.1: 5 of 1,573,952 alleles (0.00032%); highest among the groups gnomAD compares: Non-Finnish European, 0.00043%; no homozygotes.

Submission:

Labcorp Genetics (formerly Invitae), Labcorp
Classification: Uncertain significance. Last evaluated: 2022-07-05. Review status: criteria provided, single submitter. Criteria: Invitae Variant Classification Sherloc (09022015). Collection method: clinical testing. Allele origin: germline.
Comment: This sequence change replaces alanine, which is neutral and non-polar, with threonine, which is neutral and polar, at codon 58 of the CIB1 protein (p.Ala58Thr). In summary, the available evidence is currently insufficient to determine the role of this variant in disease. Therefore, it has been classified as a Variant of Uncertain Significance. Algorithms developed to predict the effect of missense changes on protein structure and function output the following: SIFT: "Deleterious"; PolyPhen-2: "Not Available"; Align-GVGD: "Class C0". The threonine amino acid residue is found in multiple mammalian species, which suggests that this missense change does not adversely affect protein function. ClinVar contains an entry for this variant (Variation ID: 1446666). This variant has not been reported in the literature in individuals affected with CIB1-related conditions. This variant is not present in population databases (gnomAD no frequency).